The following is an entry in ClinVar:

NM_031229.4(RBCK1):c.1257C>T (p.Ala419=)

Gene: RBCK1 (RANBP2-type and C3HC4-type zinc finger containing 1; plus strand). Cytogenetic location: 20p13.
Variant type: single nucleotide variant.
Coding change: c.1257C>T on transcript NM_031229.4 (MANE Select); coding-DNA position 1257, C replaced by T.
Protein change: p.Ala419=; no amino-acid change (alanine 419 retained).
Molecular consequence: synonymous variant. On other transcripts: non-coding transcript variant (1).
Genome position (GRCh38, 1-based): chr20:428,538, C>T. VCF-style: chr20-428538-C-T. GRCh37 (hg19) VCF-style: chr20-409182-C-T.
Other names: p.Ala419=; c.747C>T, p.Ala249= (NM_001323956.2, NM_001323958.2); c.1131C>T, p.Ala377= (NM_006462.6).
Identifiers: ClinVar variation 1168251 (VCV001168251.11), dbSNP rs151306710, ClinGen allele CA9723319.

ClinVar aggregate classification (germline): Benign/Likely benign. Review status: criteria provided, multiple submitters, no conflicts (2 of 4 stars). 3 submissions from 3 submitters: Benign (1); Likely benign (2). Last evaluated 2025-12-17.

Conditions:
Polyglucosan body myopathy type 1 (PGBM1). Also called: POLYGLUCOSAN BODY MYOPATHY WITHOUT IMMUNODEFICIENCY; Polyglucosan body myopathy 1 with or without immunodeficiency. Identifiers: Orphanet 329173, Orphanet 397937, MedGen C4014605, MONDO:0014389, OMIM 615895.

Allele frequency attached by ClinVar (database versions not stated): gnomAD exomes 0.00006 and 0.00015; ExAC 0.00024; ESP Exome Variant Server 0.00046; TOPMed 0.00061; 1000 Genomes Project 0.00140; 1000 Genomes Project 30x 0.00141; gnomAD 0.00065 and 0.00070.
gnomAD v4.1: 190 of 1,612,748 alleles (0.012%); highest among the groups gnomAD compares: African/African-American, 0.23%; no homozygotes.

Submissions (3):

Labcorp Genetics (formerly Invitae), Labcorp
Classification: Benign for Polyglucosan body myopathy type 1. Last evaluated: 2025-12-17. Review status: criteria provided, single submitter. Criteria: Invitae Variant Classification Sherloc (09022015). Collection method: clinical testing. Allele origin: germline.

Mayo Clinic Laboratories, Mayo Clinic
Classification: Likely benign. Last evaluated: 2025-07-12. Review status: criteria provided, single submitter. Criteria: ACMG Guidelines, 2015. Collection method: clinical testing. Allele origin: germline. Observed: 3 variant alleles.
Comment: BS1, BP4, BP7

Blueprint Genetics
Classification: Likely benign. Last evaluated: 2024-11-26. Review status: criteria provided, single submitter. Criteria: ACMG Guidelines, 2015. Collection method: clinical testing. Allele origin: germline.